The following is an entry in ClinVar:

NM_001466.4(FZD2):c.19C>G (p.Leu7Val)

Gene: FZD2 (frizzled class receptor 2; plus strand). Cytogenetic location: 17q21.31.
Variant type: single nucleotide variant.
Coding change: c.19C>G on transcript NM_001466.4 (MANE Select); coding-DNA position 19, C replaced by G.
Protein change: p.Leu7Val; replaces leucine 7 with valine.
Molecular consequence: missense variant.
Genome position (GRCh38, 1-based): chr17:44,557,707, C>G. VCF-style: chr17-44557707-C-G. GRCh37 (hg19) VCF-style: chr17-42635075-C-G.
Other names: short protein forms L7V.
Identifiers: ClinVar variation 3686767 (VCV003686767.2).

ClinVar aggregate classification (germline): Uncertain significance (1 of 4 stars; one submission).

Submission:

Labcorp Genetics (formerly Invitae), Labcorp
Classification: Uncertain significance. Last evaluated: 2024-04-18. Review status: criteria provided, single submitter. Criteria: Invitae Variant Classification Sherloc (09022015). Collection method: clinical testing. Allele origin: germline.
Comment: This sequence change replaces leucine, which is neutral and non-polar, with valine, which is neutral and non-polar, at codon 7 of the FZD2 protein (p.Leu7Val). This variant is not present in population databases (gnomAD no frequency). This variant has not been reported in the literature in individuals affected with FZD2-related conditions. Experimental studies and prediction algorithms are not available or were not evaluated, and the functional significance of this variant is currently unknown. In summary, the available evidence is currently insufficient to determine the role of this variant in disease. Therefore, it has been classified as a Variant of Uncertain Significance.